The following is an entry in ClinVar:

ClinVar aggregate classification (germline): Uncertain significance (1 of 4 stars; one submission).

Allele frequency attached by ClinVar (database versions not stated): TOPMed 0.00001.

Submission:

Labcorp Genetics (formerly Invitae), Labcorp
Classification: Uncertain significance. Last evaluated: 2022-05-19. Review status: criteria provided, single submitter. Criteria: Invitae Variant Classification Sherloc (09022015). Collection method: clinical testing. Allele origin: germline.
Comment: This sequence change replaces threonine, which is neutral and polar, with isoleucine, which is neutral and non-polar, at codon 95 of the TPP1 protein (p.Thr95Ile). This variant is not present in population databases (gnomAD no frequency). This variant has not been reported in the literature in individuals affected with TPP1-related conditions. Advanced modeling of protein sequence and biophysical properties (such as structural, functional, and spatial information, amino acid conservation, physicochemical variation, residue mobility, and thermodynamic stability) performed at Invitae indicates that this missense variant is expected to disrupt TPP1 protein function. In summary, the available evidence is currently insufficient to determine the role of this variant in disease. Therefore, it has been classified as a Variant of Uncertain Significance.

NM_000391.4(TPP1):c.284C>T (p.Thr95Ile)

Gene: TPP1 (tripeptidyl peptidase 1; minus strand). Cytogenetic location: 11p15.4.
Variant type: single nucleotide variant.
Coding change: c.284C>T on transcript NM_000391.4 (MANE Select); coding-DNA position 284, C replaced by T.
Protein change: p.Thr95Ile; replaces threonine 95 with isoleucine.
Molecular consequence: missense variant.
Genome position (GRCh38, 1-based): chr11:6,617,722, G>A on the plus strand (C>T on the coding strand, the complement: TPP1 is on the minus strand). VCF-style: chr11-6617722-G-A. GRCh37 (hg19) VCF-style: chr11-6638953-G-A.
Other names: short protein forms T95I.
Identifiers: ClinVar variation 1991712 (VCV001991712.1), dbSNP rs535584300, ClinGen allele CA217324277.
Genomic context (GRCh38, chr11:6,617,722, plus strand): 5'-ATCACAGAATGGCACTTCTGGGCTCCGGCTGCCAAGAGCCATTTTTGCACCGTGTGGAGG[G>A]TCAGTGGGGATGGCCTCACCAGATCAGCCACATTCTCTAGGGTCAGGTATTTTCCTGCAG-3'
Protein context (NP_000382.3, residues 85-105): VADLVRPSPL[Thr95Ile]LHTVQKWLLA